The following is an entry in ClinVar:

ClinVar aggregate classification (germline): Uncertain significance (1 of 4 stars; one submission).

Conditions:
Dilated cardiomyopathy 1CC (CMD1CC). Identifiers: Orphanet 154, MedGen C2751084, MONDO:0013147, OMIM 613122.
Hypertrophic cardiomyopathy 20. Identifiers: MedGen C3151267, MONDO:0013477, OMIM 613876.

Submission:

Labcorp Genetics (formerly Invitae), Labcorp
Classification: Uncertain significance for Dilated cardiomyopathy 1CC; Hypertrophic cardiomyopathy 20. Last evaluated: 2022-06-27. Review status: criteria provided, single submitter. Criteria: Invitae Variant Classification Sherloc (09022015). Collection method: clinical testing. Allele origin: germline.
Comment: This variant has not been reported in the literature in individuals affected with NEXN-related conditions. ClinVar contains an entry for this variant (Variation ID: 1015812). Algorithms developed to predict the effect of missense changes on protein structure and function (SIFT, PolyPhen-2, Align-GVGD) all suggest that this variant is likely to be tolerated. In summary, the available evidence is currently insufficient to determine the role of this variant in disease. Therefore, it has been classified as a Variant of Uncertain Significance. This sequence change replaces aspartic acid, which is acidic and polar, with histidine, which is basic and polar, at codon 297 of the NEXN protein (p.Asp297His). This variant is not present in population databases (gnomAD no frequency).

NM_144573.4(NEXN):c.889G>C (p.Asp297His)

Gene: NEXN (nexilin F-actin binding protein; plus strand). Cytogenetic location: 1p31.1.
Variant type: single nucleotide variant.
Coding change: c.889G>C on transcript NM_144573.4 (MANE Select); coding-DNA position 889, G replaced by C.
Protein change: p.Asp297His; replaces aspartic acid 297 with histidine.
Molecular consequence: missense variant.
Genome position (GRCh38, 1-based): chr1:77,929,340, G>C. VCF-style: chr1-77929340-G-C. GRCh37 (hg19) VCF-style: chr1-78395025-G-C.
Other names: c.697G>C, p.Asp233His (NM_001172309.2); short protein forms D233H, D297H.
Identifiers: ClinVar variation 1015812 (VCV001015812.8), dbSNP rs1650107233, ClinGen allele CA340875030.
Genomic context (GRCh38, chr1:77,929,340, plus strand): 5'-CCTCAATTCTTAGTAATGAATTGTTTATTTGGTTAGGTAAATGAAGATGAGGAAAACCAA[G>C]ACACAGCAAAAATTTTTAAAGGGTACCGCCCTGGTAAACTCAAACTCAGTTTTGAAGAAA-3'
Protein context (NP_653174.3, residues 287-307): QMVNEDEENQ[Asp297His]TAKIFKGYRP